The following is an entry in ClinVar:

NM_003072.5(SMARCA4):c.3797G>T (p.Ser1266Ile)

Gene: SMARCA4 (SWI/SNF related BAF chromatin remodeling complex subunit ATPase 4; plus strand). Cytogenetic location: 19p13.2.
Variant type: single nucleotide variant.
Coding change: c.3797G>T on transcript NM_003072.5 (MANE Select); coding-DNA position 3797, G replaced by T.
Protein change: p.Ser1266Ile; replaces serine 1266 with isoleucine.
Molecular consequence: missense variant. On other transcripts: intron variant (5).
Genome position (GRCh38, 1-based): chr19:11,033,789, G>T. VCF-style: chr19-11033789-G-T. GRCh37 (hg19) VCF-style: chr19-11144465-G-T.
Other names: c.3797G>T, p.Ser1266Ile (NM_001128844.3, NM_001128849.3); c.3774+272G>T (NM_001128847.4, NM_001374457.1, NM_001128845.2 and 2 more transcripts); short protein forms S1266I.
Identifiers: ClinVar variation 824225 (VCV000824225.4), dbSNP rs1600393348, ClinGen allele CA404066459.

ClinVar aggregate classification (germline): Uncertain significance (1 of 4 stars; one submission).

Conditions:
Hereditary cancer-predisposing syndrome. Also called: Neoplastic Syndromes, Hereditary; Tumor predisposition; Hereditary neoplastic syndrome; Hereditary Cancer Syndrome. Identifiers: Orphanet 140162, MedGen C0027672, MeSH D009386, MONDO:0015356.

Submission:

Ambry Genetics
Classification: Uncertain significance for Hereditary cancer-predisposing syndrome. Last evaluated: 2018-08-10. Review status: criteria provided, single submitter. Criteria: Ambry Variant Classification Scheme 2023. Collection method: clinical testing. Allele origin: germline.
Comment: The p.S1266I variant (also known as c.3797G>T), located in coding exon 26 of the SMARCA4 gene, results from a G to T substitution at nucleotide position 3797. The serine at codon 1266 is replaced by isoleucine, an amino acid with dissimilar properties. This amino acid position is highly conserved in available vertebrate species. In addition, the in silico prediction for this alteration is inconclusive. Since supporting evidence is limited at this time, the clinical significance of this alteration remains unclear.